The following is an entry in ClinVar:

NM_016579.4(CD320):c.88G>C (p.Gly30Arg)

Gene: CD320 (CD320 molecule; minus strand). Cytogenetic location: 19p13.2.
Variant type: single nucleotide variant.
Coding change: c.88G>C on transcript NM_016579.4 (MANE Select); coding-DNA position 88, G replaced by C.
Protein change: p.Gly30Arg; replaces glycine 30 with arginine.
Molecular consequence: missense variant.
Genome position (GRCh38, 1-based): chr19:8,308,203, C>G on the plus strand (G>C on the coding strand, the complement: CD320 is on the minus strand). VCF-style: chr19-8308203-C-G. GRCh37 (hg19) VCF-style: chr19-8373087-C-G.
Other names: c.88G>C, p.Gly30Arg (NM_001165895.2); c.88G>C (NM_016579.3); short protein forms G30R.
Identifiers: ClinVar variation 1060439 (VCV001060439.10), dbSNP rs1314256093, ClinGen allele CA403718581.

ClinVar aggregate classification (germline): Uncertain significance. Review status: criteria provided, multiple submitters, no conflicts (2 of 4 stars). 2 submissions from 2 submitters: Uncertain significance (2). Last evaluated 2023-01-31.

Conditions:
Methylmalonic acidemia due to transcobalamin receptor defect (MATR). Also called: METHYLMALONIC ACIDURIA, TRANSIENT, DUE TO TRANSCOBALAMIN RECEPTOR DEFECT; METHYLMALONIC ACIDEMIA, TCblR TYPE. Identifiers: Orphanet 280183, MedGen C4749905, MONDO:0013341, OMIM 613646.

Allele frequency attached by ClinVar (database versions not stated): gnomAD exomes 0.00001; gnomAD 0.00004; TOPMed 0.00004.
gnomAD v4.1: 14 of 1,570,150 alleles (0.00089%); highest among the groups gnomAD compares: African/African-American, 0.018%; no homozygotes.

Submissions (2):

Labcorp Genetics (formerly Invitae), Labcorp
Classification: Uncertain significance for Methylmalonic acidemia due to transcobalamin receptor defect. Last evaluated: 2023-01-31. Review status: criteria provided, single submitter. Criteria: Invitae Variant Classification Sherloc (09022015). Collection method: clinical testing. Allele origin: germline.
Comment: In summary, the available evidence is currently insufficient to determine the role of this variant in disease. Therefore, it has been classified as a Variant of Uncertain Significance. This variant has not been reported in the literature in individuals affected with CD320-related conditions. This variant is present in population databases (no rsID available, gnomAD 0.02%). This sequence change replaces glycine, which is neutral and non-polar, with arginine, which is basic and polar, at codon 30 of the CD320 protein (p.Gly30Arg). Algorithms developed to predict the effect of missense changes on protein structure and function are either unavailable or do not agree on the potential impact of this missense change (SIFT: "Deleterious"; PolyPhen-2: "Benign"; Align-GVGD: "Class C0"). ClinVar contains an entry for this variant (Variation ID: 1060439).

Ambry Genetics
Classification: Uncertain significance. Last evaluated: 2021-09-27. Review status: criteria provided, single submitter. Criteria: Ambry Variant Classification Scheme 2023. Collection method: clinical testing. Allele origin: germline.